The following is an entry in ClinVar:

ClinVar aggregate classification (germline): Likely pathogenic (1 of 4 stars; one submission).

Conditions:
Hereditary fructosuria. Also called: ALDOB DEFICIENCY; ALDOLASE B DEFICIENCY; FRUCTOSE-1,6-BISPHOSPHATE ALDOLASE B DEFICIENCY; FRUCTOSE-1-PHOSPHATE ALDOLASE DEFICIENCY; FRUCTOSEMIA; Hereditary fructose intolerance. Identifiers: Orphanet 469, MedGen C0016751, MONDO:0009249, OMIM 229600, HP:0005973. Disease mechanism: loss of function.

Submission:

Labcorp Genetics (formerly Invitae), Labcorp
Classification: Likely pathogenic for Hereditary fructosuria. Last evaluated: 2022-03-04. Review status: criteria provided, single submitter. Criteria: Invitae Variant Classification Sherloc (09022015). Collection method: clinical testing. Allele origin: germline.
Comment: This sequence change affects a donor splice site in intron 6 of the ALDOB gene. It is expected to disrupt RNA splicing. Variants that disrupt the donor or acceptor splice site typically lead to a loss of protein function (PMID: 16199547), and loss-of-function variants in ALDOB are known to be pathogenic (PMID: 18541450). This variant is not present in population databases (gnomAD no frequency). This variant has not been reported in the literature in individuals affected with ALDOB-related conditions. Algorithms developed to predict the effect of sequence changes on RNA splicing suggest that this variant may disrupt the consensus splice site. In summary, the currently available evidence indicates that the variant is pathogenic, but additional data are needed to prove that conclusively. Therefore, this variant has been classified as Likely Pathogenic.

Literature cited by the submitters: PubMed 16199547; PubMed 18541450.

NM_000035.4(ALDOB):c.624+1G>C

Gene: ALDOB (aldolase, fructose-bisphosphate B; minus strand). Cytogenetic location: 9q31.1.
Variant type: single nucleotide variant.
Coding change: c.624+1G>C on transcript NM_000035.4 (MANE Select); the canonical splice donor site of the intron after coding-DNA position 624, G replaced by C.
Molecular consequence: splice donor variant.
Genome position (GRCh38, 1-based): chr9:101,426,554, C>G on the plus strand (G>C on the coding strand, the complement: ALDOB is on the minus strand). VCF-style: chr9-101426554-C-G. GRCh37 (hg19) VCF-style: chr9-104188836-C-G.
Identifiers: ClinVar variation 2105809 (VCV002105809.4), dbSNP rs2490122574, ClinGen allele CA374264974.
Genomic context (GRCh38, chr9:101,426,554, plus strand): 5'-AGCTGTTACCTAAAACTAAGATTTTTCAACTAGAATTGGGGCCTTCATATTTAAAACTTA[C>G]CTTCTCAGTAACATACTGGCAGTGTTCCAGGTCATGGTCTCCATCAGGAATTACCTCTGG-3'